The following is an entry in ClinVar:

ClinVar aggregate classification (germline): Uncertain significance (1 of 4 stars; one submission).

Conditions:
Peripheral neuropathy. Also called: Neuropathy. Identifiers: MedGen C0031117, MONDO:0005244, HP:0009830.

Allele frequency attached by ClinVar (database versions not stated): ExAC 0.00001; gnomAD 0.00001; TOPMed 0.00001; gnomAD exomes 0.00002.
gnomAD v4.1: 18 of 1,612,630 alleles (0.0011%); highest among the groups gnomAD compares: East Asian, 0.0022%; no homozygotes.

Submission:

Labcorp Genetics (formerly Invitae), Labcorp
Classification: Uncertain significance for Peripheral neuropathy. Last evaluated: 2022-03-18. Review status: criteria provided, single submitter. Criteria: Invitae Variant Classification Sherloc (09022015). Collection method: clinical testing. Allele origin: germline.
Comment: In summary, the available evidence is currently insufficient to determine the role of this variant in disease. Therefore, it has been classified as a Variant of Uncertain Significance. Algorithms developed to predict the effect of missense changes on protein structure and function are either unavailable or do not agree on the potential impact of this missense change (SIFT: "Deleterious"; PolyPhen-2: "Possibly Damaging"; Align-GVGD: "Class C0"). This variant has not been reported in the literature in individuals affected with FLRT1-related conditions. This variant is present in population databases (rs757875522, gnomAD 0.01%). This sequence change replaces threonine, which is neutral and polar, with methionine, which is neutral and non-polar, at codon 289 of the FLRT1 protein (p.Thr289Met).

NM_013280.5(FLRT1):c.866C>T (p.Thr289Met)

Genes: FLRT1 (fibronectin leucine rich transmembrane protein 1; plus strand), MACROD1 (mono-ADP ribosylhydrolase 1; minus strand). Cytogenetic location: 11q13.1.
Variant type: single nucleotide variant.
Coding change: c.866C>T on transcript NM_013280.5 (MANE Select); coding-DNA position 866, C replaced by T.
Protein change: p.Thr289Met; replaces threonine 289 with methionine.
Molecular consequence: missense variant. On other transcripts: intron variant (2).
Genome position (GRCh38, 1-based): chr11:64,117,133, C>T. VCF-style: chr11-64117133-C-T. GRCh37 (hg19) VCF-style: chr11-63884605-C-T.
Other names: c.866C>T, p.Thr289Met (NM_001384466.1); c.782C>T, p.Thr261Met (NM_001423967.1); c.517+34106G>A (NM_001411019.1, NM_014067.4); short protein forms T289M, T261M.
Identifiers: ClinVar variation 1446859 (VCV001446859.8), dbSNP rs757875522, ClinGen allele CA6067559.